The following is an entry in ClinVar:

ClinVar aggregate classification (germline): Pathogenic/Likely pathogenic. Review status: criteria provided, multiple submitters, no conflicts (2 of 4 stars). 4 submissions from 4 submitters: Pathogenic (1); Likely pathogenic (1). 2 of the submissions do not count toward it. Last evaluated 2024-10-07.

Conditions:
Focal segmental glomerulosclerosis and neurodevelopmental syndrome. Identifiers: MedGen C5561938, MONDO:0100111, OMIM 619428.
Neurodevelopmental delay. Identifiers: MedGen C4022738, HP:0012758.
Focal segmental glomerulosclerosis (FSGS). Also called: Glomerulosclerosis, focal; Focal sclerosis with hyalinosis. Identifiers: MedGen C0017668, MONDO:0100313, HP:0000097. Disease mechanism: loss of function.
Seizure. Also called: Seizures. Identifiers: MedGen C0036572, HP:0001250.

Submissions (4):

Victorian Clinical Genetics Services, Murdoch Childrens Research Institute
Classification: Pathogenic for Focal segmental glomerulosclerosis and neurodevelopmental syndrome. Last evaluated: 2024-10-07. Review status: criteria provided, single submitter. Criteria: ACMG Guidelines, 2015. Collection method: clinical testing. Allele origin: germline. Affected: yes.
Comment: This variant is classified as Pathogenic. Evidence in support of pathogenic classification: Variant is predicted to result in a truncated protein (premature termination codon is NOT located at least 54 nucleotides upstream of the final exon-exon junction) with less than 1/3 of the protein sequence affected; Variant is absent from gnomAD (v2, v3 and v4); This variant has moderate previous evidence of pathogenicity in unrelated individuals. Other protein truncating variant(s) comparable to the one identified in this case have very strong previous evidence for pathogenicity (DECIPHER). Additional information: This variant is heterozygous; This gene is associated with autosomal dominant disease; The mechanism of disease for this gene is not clearly established. However, both dominant negative and gain of function have been suggested (PMID: 32193649, 33508234, 34930159, 30244534) - Variants in this gene are known to have variable expressivity (OMIM); Inheritance information for this variant is not currently available in this individual.

GeneDx
Classification: Likely pathogenic. Last evaluated: 2023-12-19. Review status: criteria provided, single submitter. Criteria: GeneDx Variant Classification Process June 2021. Collection method: clinical testing. Allele origin: germline. Affected: yes.
Comment: Nonsense variant predicted to result in protein truncation, as the last 141 amino acids are lost, and other loss-of-function variants have been reported downstream in HGMD; Not observed at significant frequency in large population cohorts (gnomAD); This variant is associated with the following publications: (PMID: 33508234)

OMIM
Classification: Pathogenic for FOCAL SEGMENTAL GLOMERULOSCLEROSIS AND NEURODEVELOPMENTAL SYNDROME. Last evaluated: 2021-08-04. Review status: no assertion criteria provided. Collection method: literature only. Allele origin: germline. Not counted in ClinVar's aggregate classification.

Yale Center for Mendelian Genomics, Yale University
Classification: Likely pathogenic for Neurodevelopmental delay; Seizure; Focal segmental glomerulosclerosis. Last evaluated: 2021-01-27. Review status: no assertion criteria provided. Collection method: literature only. Allele origin: germline. Affected: yes. Observed: 1 heterozygote. Study: Yale Center for Mendelian Genomics. Not counted in ClinVar's aggregate classification.

Literature cited by the submitters: PubMed 30244534 (cited by Victorian Clinical Genetics Services, Murdoch Childrens Research Institute); PubMed 33508234 (cited by 3 submitters); PubMed 34930159 (cited by Victorian Clinical Genetics Services, Murdoch Childrens Research Institute); PubMed 32193649 (cited by Victorian Clinical Genetics Services, Murdoch Childrens Research Institute).

NM_030912.3(TRIM8):c.1231C>T (p.Gln411Ter)

Gene: TRIM8 (tripartite motif containing 8; plus strand). Cytogenetic location: 10q24.32.
Variant type: single nucleotide variant.
Coding change: c.1231C>T on transcript NM_030912.3 (MANE Select); coding-DNA position 1231, C replaced by T.
Protein change: p.Gln411Ter; replaces glutamine 411 with a stop codon.
Molecular consequence: nonsense. On other transcripts: non-coding transcript variant (1).
Genome position (GRCh38, 1-based): chr10:102,656,929, C>T. VCF-style: chr10-102656929-C-T. GRCh37 (hg19) VCF-style: chr10-104416686-C-T.
Other names: Q411*; c.1135C>T, p.Gln379Ter (NM_001345950.1); short protein forms Q379*.
Identifiers: ClinVar variation 1189052 (VCV001189052.6), dbSNP rs2135984949, ClinGen allele CA377931587.